The following is an entry in ClinVar:

NM_001297.5(CNGB1):c.459-2A>G

Gene: CNGB1 (cyclic nucleotide gated channel subunit beta 1; minus strand). Cytogenetic location: 16q21.
Variant type: single nucleotide variant.
Coding change: c.459-2A>G on transcript NM_001297.5 (MANE Select); the canonical splice acceptor site of the intron before coding-DNA position 459, A replaced by G.
Molecular consequence: splice acceptor variant.
Genome position (GRCh38, 1-based): chr16:57,960,917, T>C on the plus strand (A>G on the coding strand, the complement: CNGB1 is on the minus strand). VCF-style: chr16-57960917-T-C. GRCh37 (hg19) VCF-style: chr16-57994821-T-C.
Other names: c.459-2A>G (NM_001286130.2, NM_001135639.2).
Identifiers: ClinVar variation 2134234 (VCV002134234.4), dbSNP rs2544678258, ClinGen allele CA396078442.

ClinVar aggregate classification (germline): Likely pathogenic (1 of 4 stars; one submission).

Allele frequency attached by ClinVar (database versions not stated): gnomAD exomes below 0.00001.
gnomAD v4.1: 1 of 1,614,086 alleles (0.000062%); highest among the groups gnomAD compares: South Asian, 0.0011%; no homozygotes.

Submission:

Labcorp Genetics (formerly Invitae), Labcorp
Classification: Likely pathogenic. Last evaluated: 2025-12-17. Review status: criteria provided, single submitter. Criteria: Invitae Variant Classification Sherloc (09022015). Collection method: clinical testing. Allele origin: germline.
Comment: This sequence change affects an acceptor splice site in intron 7 of the CNGB1 gene. It is expected to disrupt RNA splicing. Variants that disrupt the donor or acceptor splice site typically lead to a loss of protein function (PMID: 16199547), and loss-of-function variants in CNGB1 are known to be pathogenic (PMID: 15557452, 24043777). This variant is not present in population databases (gnomAD no frequency). This variant has not been reported in the literature in individuals affected with CNGB1-related conditions. ClinVar contains an entry for this variant (Variation ID: 2134234). Algorithms developed to predict the effect of sequence changes on RNA splicing suggest that this variant may disrupt the consensus splice site. In summary, the currently available evidence indicates that the variant is pathogenic, but additional data are needed to prove that conclusively. Therefore, this variant has been classified as Likely Pathogenic.

Literature cited by the submitters: PubMed 16199547; PubMed 15557452; PubMed 24043777.